The following is an entry in ClinVar:

NM_000535.7(PMS2):c.831G>C (p.Thr277=)

Gene: PMS2 (PMS1 homolog 2, mismatch repair system component; minus strand). Cytogenetic location: 7p22.1.
Variant type: single nucleotide variant.
Coding change: c.831G>C on transcript NM_000535.7 (MANE Select); coding-DNA position 831, G replaced by C.
Protein change: p.Thr277=; no amino-acid change (threonine 277 retained).
Molecular consequence: synonymous variant. On other transcripts: 5 prime UTR variant (2), non-coding transcript variant (1), intron variant (4).
Genome position (GRCh38, 1-based): chr7:5,995,606, C>G on the plus strand (G>C on the coding strand, the complement: PMS2 is on the minus strand). VCF-style: chr7-5995606-C-G. GRCh37 (hg19) VCF-style: chr7-6035237-C-G.
Other names: c.426G>C, p.Thr142= (NM_001322003.2, NM_001322004.2, NM_001322005.2 and 19 more transcripts); c.831G>C, p.Thr277= (NM_001322006.2, NM_001322014.2, NM_001406870.1 and 2 more transcripts); c.513G>C, p.Thr171= (NM_001322007.2, NM_001322008.2, NM_001406876.1 and 4 more transcripts); c.-103G>C (NM_001322011.2, NM_001322012.2); c.258G>C, p.Thr86= (NM_001322013.2, NM_001406909.1); c.522G>C, p.Thr174= (NM_001322015.2, NM_001406875.1, NM_001406877.1 and 6 more transcripts); c.1017G>C, p.Thr339= (NM_001406866.1); c.855G>C, p.Thr285= (NM_001406868.1); and 8 more.
Identifiers: ClinVar variation 3904616 (VCV003904616.1).

ClinVar aggregate classification (germline): Benign (1 of 4 stars; one submission).

Conditions:
Lynch syndrome 4 (LYNCH4). Also called: Colorectal cancer, hereditary nonpolyposis, type 4; Hereditary non-polyposis colorectal cancer, type 4. Identifiers: Orphanet 144, MedGen C1838333, MONDO:0013699, OMIM 614337. Disease mechanism: loss of function.

Submission:

Myriad Genetics, Inc.
Classification: Benign for Lynch syndrome 4. Last evaluated: 2025-01-28. Review status: criteria provided, single submitter. Criteria: Myriad Autosomal Dominant, Autosomal Recessive and X-Linked Classification Criteria (2023). Collection method: clinical testing. Allele origin: unknown.
Comment: This variant is considered benign. This variant is a silent/synonymous amino acid change and it is not expected to impact splicing.